The following is an entry in ClinVar:

NM_001385641.1(SAMD11):c.1195+25C>T

Gene: SAMD11 (sterile alpha motif domain containing 11; plus strand). Cytogenetic location: 1p36.33.
Variant type: single nucleotide variant.
Coding change: c.1195+25C>T on transcript NM_001385641.1 (MANE Select); 25 bases into the intron after coding-DNA position 1195, C replaced by T.
Molecular consequence: intron variant. On other transcripts: missense variant (1).
Genome position (GRCh38, 1-based): chr1:939,437, C>T. VCF-style: chr1-939437-C-T. GRCh37 (hg19) VCF-style: chr1-874817-C-T.
Other names: c.683C>T, p.Pro228Leu (NM_152486.4); c.1198+25C>T (NM_001385640.1); c.683C>T (NM_152486.2); short protein forms P228L.
Identifiers: ClinVar variation 1024192 (VCV001024192.7), dbSNP rs201898716, ClinGen allele CA502746.

ClinVar aggregate classification (germline): Conflicting classifications of pathogenicity. Review status: criteria provided, conflicting classifications (1 of 4 stars). 3 submissions from 3 submitters: Uncertain significance (2); Likely benign (1). Last evaluated 2025-05-19.

Allele frequency attached by ClinVar (database versions not stated): gnomAD exomes 0.00023 and 0.00030; ExAC 0.00036; 1000 Genomes Project 0.00060.
gnomAD v4.1: 321 of 1,434,344 alleles (0.022%); highest among the groups gnomAD compares: South Asian, 0.14%; 2 homozygotes.

Submissions (3):

Ambry Genetics
Classification: Uncertain significance. Last evaluated: 2025-05-19. Review status: criteria provided, single submitter. Criteria: Ambry Variant Classification Scheme 2023. Collection method: clinical testing. Allele origin: germline.

Blueprint Genetics
Classification: Likely benign. Last evaluated: 2024-11-19. Review status: criteria provided, single submitter. Criteria: ACMG Guidelines, 2015. Collection method: clinical testing. Allele origin: germline.

Labcorp Genetics (formerly Invitae), Labcorp
Classification: Uncertain significance. Last evaluated: 2022-10-24. Review status: criteria provided, single submitter. Criteria: Invitae Variant Classification Sherloc (09022015). Collection method: clinical testing. Allele origin: germline.
Comment: This sequence change replaces proline, which is neutral and non-polar, with leucine, which is neutral and non-polar, at codon 228 of the SAMD11 protein (p.Pro228Leu). This variant is present in population databases (rs201898716, gnomAD 0.1%). This variant has not been reported in the literature in individuals affected with SAMD11-related conditions. ClinVar contains an entry for this variant (Variation ID: 1024192). Algorithms developed to predict the effect of missense changes on protein structure and function output the following: SIFT: "Deleterious"; PolyPhen-2: "Benign"; Align-GVGD: "Class C0". The leucine amino acid residue is found in multiple mammalian species, which suggests that this missense change does not adversely affect protein function. In summary, the available evidence is currently insufficient to determine the role of this variant in disease. Therefore, it has been classified as a Variant of Uncertain Significance.